The following is an entry in ClinVar:

NM_001379291.1(BRD4):c.3062A>C (p.His1021Pro)

Gene: BRD4 (bromodomain containing 4; minus strand). Cytogenetic location: 19p13.12.
Variant type: single nucleotide variant.
Coding change: c.3062A>C on transcript NM_001379291.1 (MANE Select); coding-DNA position 3062, A replaced by C.
Protein change: p.His1021Pro; replaces histidine 1021 with proline.
Molecular consequence: missense variant.
Genome position (GRCh38, 1-based): chr19:15,243,007, T>G on the plus strand (A>C on the coding strand, the complement: BRD4 is on the minus strand). VCF-style: chr19-15243007-T-G. GRCh37 (hg19) VCF-style: chr19-15353818-T-G.
Other names: c.3062A>C, p.His1021Pro (NM_058243.3); short protein forms H1021P.
Identifiers: ClinVar variation 3388299 (VCV003388299.14).

ClinVar aggregate classification (germline): Likely benign (1 of 4 stars; one submission).

Submission:

CeGaT Center for Human Genetics Tuebingen
Classification: Likely benign. Last evaluated: 2024-11-01. Review status: criteria provided, single submitter. Criteria: CeGaT Center For Human Genetics Tuebingen Variant Classification Criteria Version 2. Collection method: clinical testing. Allele origin: germline. Affected: yes. Observed: 1 variant allele.
Comment: BRD4: BS1